The following is an entry in ClinVar:

NM_213720.3(CHCHD10):c.365G>T (p.Cys122Phe)

Gene: CHCHD10 (coiled-coil-helix-coiled-coil-helix domain containing 10; minus strand). Cytogenetic location: 22q11.23.
Variant type: single nucleotide variant.
Coding change: c.365G>T on transcript NM_213720.3 (MANE Select); coding-DNA position 365, G replaced by T.
Protein change: p.Cys122Phe; replaces cysteine 122 with phenylalanine.
Molecular consequence: missense variant. On other transcripts: non-coding transcript variant (2).
Genome position (GRCh38, 1-based): chr22:23,766,172, C>A on the plus strand (G>T on the coding strand, the complement: CHCHD10 is on the minus strand). VCF-style: chr22-23766172-C-A. GRCh37 (hg19) VCF-style: chr22-24108359-C-A.
Other names: c.386G>T, p.Cys129Phe (NM_001301339.2); short protein forms C129F, C122F.
Identifiers: ClinVar variation 1495146 (VCV001495146.8), dbSNP rs1358742335, ClinGen allele CA410914442.

ClinVar aggregate classification (germline): Uncertain significance (1 of 4 stars; one submission).

Conditions:
Lower motor neuron syndrome with late-adult onset (SMAJ). Also called: Spinal muscular atrophy, Jokela type; Late-Onset Spinal Motor Neuronopathy (SMAJ). Identifiers: Orphanet 276435, MedGen C3554398, MONDO:0014025, OMIM 615048.
Frontotemporal dementia and/or amyotrophic lateral sclerosis 2. Also called: FTDALS2. Identifiers: Orphanet 275872, MedGen C4014648, MONDO:0014395, OMIM 615911.
Autosomal dominant mitochondrial myopathy with exercise intolerance (IMMD). Also called: Myopathy, isolated mitochondrial, autosomal dominant. Identifiers: Orphanet 457050, MedGen C4015513, MONDO:0014532, OMIM 616209.

Allele frequency attached by ClinVar (database versions not stated): TOPMed below 0.00001; gnomAD 0.00001.
gnomAD v4.1: 1 of 1,613,084 alleles (0.000062%); highest among the groups gnomAD compares: African/African-American, 0.0013%; no homozygotes.

Submission:

Labcorp Genetics (formerly Invitae), Labcorp
Classification: Uncertain significance for Lower motor neuron syndrome with late-adult onset; Frontotemporal dementia and/or amyotrophic lateral sclerosis 2; Autosomal dominant mitochondrial myopathy with exercise intolerance. Last evaluated: 2022-08-16. Review status: criteria provided, single submitter. Criteria: Invitae Variant Classification Sherloc (09022015). Collection method: clinical testing. Allele origin: germline.
Comment: This sequence change replaces cysteine, which is neutral and slightly polar, with phenylalanine, which is neutral and non-polar, at codon 122 of the CHCHD10 protein (p.Cys122Phe). This variant is not present in population databases (gnomAD no frequency). This variant has not been reported in the literature in individuals affected with CHCHD10-related conditions. ClinVar contains an entry for this variant (Variation ID: 1495146). Algorithms developed to predict the effect of missense changes on protein structure and function (SIFT, PolyPhen-2, Align-GVGD) all suggest that this variant is likely to be disruptive. In summary, the available evidence is currently insufficient to determine the role of this variant in disease. Therefore, it has been classified as a Variant of Uncertain Significance.